The following is an entry in ClinVar:

NM_000393.5(COL5A2):c.917G>C (p.Gly306Ala)

Gene: COL5A2 (collagen type V alpha 2 chain; minus strand). Cytogenetic location: 2q32.2.
Variant type: single nucleotide variant.
Coding change: c.917G>C on transcript NM_000393.5 (MANE Select); coding-DNA position 917, G replaced by C.
Protein change: p.Gly306Ala; replaces glycine 306 with alanine.
Molecular consequence: missense variant.
Genome position (GRCh38, 1-based): chr2:189,080,021, C>G on the plus strand (G>C on the coding strand, the complement: COL5A2 is on the minus strand). VCF-style: chr2-189080021-C-G. GRCh37 (hg19) VCF-style: chr2-189944747-C-G.
Other names: short protein forms G306A.
Identifiers: ClinVar variation 2699403 (VCV002699403.3), dbSNP rs1477771143, ClinGen allele CA349856673.

ClinVar aggregate classification (germline): Uncertain significance (1 of 4 stars; one submission).

Conditions:
Ehlers-Danlos syndrome, classic type, 1 (EDSCL1). Also called: EHLERS-DANLOS SYNDROME, GRAVIS TYPE; EHLERS-DANLOS SYNDROME, SEVERE CLASSIC TYPE; Ehlers-Danlos syndrome, type 1; Ehlers-Danlos Syndrome, Classic Type, COL5A1-Related; EDS I. Identifiers: MedGen C0268335, MONDO:0019567, OMIM 130000.

Allele frequency attached by ClinVar (database versions not stated): gnomAD exomes below 0.00001.
gnomAD v4.1: 4 of 1,612,320 alleles (0.00025%); highest among the groups gnomAD compares: Non-Finnish European, 0.00025%; no homozygotes.

Submission:

Labcorp Genetics (formerly Invitae), Labcorp
Classification: Uncertain significance for Ehlers-Danlos syndrome, classic type, 1. Last evaluated: 2023-11-28. Review status: criteria provided, single submitter. Criteria: Invitae Variant Classification Sherloc (09022015). Collection method: clinical testing. Allele origin: germline.
Comment: This sequence change replaces glycine, which is neutral and non-polar, with alanine, which is neutral and non-polar, at codon 306 of the COL5A2 protein (p.Gly306Ala). This variant is present in population databases (no rsID available, gnomAD 0.0009%). This variant has not been reported in the literature in individuals affected with COL5A2-related conditions. Advanced modeling of protein sequence and biophysical properties (such as structural, functional, and spatial information, amino acid conservation, physicochemical variation, residue mobility, and thermodynamic stability) performed at Invitae indicates that this missense variant is not expected to disrupt COL5A2 protein function with a negative predictive value of 80%. In summary, the available evidence is currently insufficient to determine the role of this variant in disease. Therefore, it has been classified as a Variant of Uncertain Significance.